The following continues an entry in ClinVar:

NM_001127222.2(CACNA1A):c.4988G>A (p.Arg1663Gln)

Gene: CACNA1A. ClinVar aggregate classification (germline): Pathogenic/Likely pathogenic. Pathogenic (11); Likely pathogenic (2).

Submissions 14 to 20 of 20:

Solve-RD Consortium
Classification: Likely pathogenic for Developmental and epileptic encephalopathy, 42. Last evaluated: 2022-06-01. Review status: no assertion criteria provided. Collection method: provider interpretation. Allele origin: de novo. Affected: yes. Not counted in ClinVar's aggregate classification.
Comment: Variant confirmed as disease-causing by referring clinical team

Variant identified during reanalysis of unsolved cases by the Solve-RD project. The Solve-RD project has received funding from the European Union’s Horizon 2020 research and innovation programme under grant agreement No 779257.

Department of Rehabilitation Medicine, Incheon St. Mary’s Hospital, College of Medicine, The Catholic University of Korea
Classification: Pathogenic for Ataxia _ Neurologic (child onset); Non-progressive congenital cerebellar ataxia. Last evaluated: 2019-02-11. Review status: no assertion criteria provided. Collection method: research. Allele origin: de novo. Inheritance: Autosomal dominant inheritance. Affected: yes. Observed: 1 heterozygote. Not counted in ClinVar's aggregate classification.

Mendelics
Classification: Pathogenic for Chronic and progressive ataxia. Last evaluated: 2014-11-30. Review status: no assertion criteria provided. Collection method: clinical testing. Allele origin: uniparental. Affected: yes. Not counted in ClinVar's aggregate classification.

Clinical Genetics DNA and cytogenetics Diagnostics Lab, Erasmus MC, Erasmus Medical Center
Classification: Likely pathogenic. Review status: no assertion criteria provided. Collection method: clinical testing. Allele origin: germline. Affected: yes. Study: VKGL Data-share Consensus. Not counted in ClinVar's aggregate classification.

Diagnostic Laboratory, Department of Genetics, University Medical Center Groningen
Classification: Pathogenic. Review status: no assertion criteria provided. Collection method: clinical testing. Allele origin: germline. Affected: yes. Study: VKGL Data-share Consensus. Not counted in ClinVar's aggregate classification.

UniProtKB/Swiss-Prot
No classification provided. Condition: Spinocerebellar ataxia 6. Review status: no classification provided. Collection method: not provided. Allele origin: unknown. Not counted in ClinVar's aggregate classification.
Comment: The proband presented with not fluctuating ataxia with a quite early age of onset (PubMed 16325861)

Baylor Genetics
Classification: Uncertain significance for Episodic ataxia type 2. Last evaluated: 2017-09-01. Review status: flagged submission. Criteria: ACMG Guidelines, 2015. Collection method: clinical testing. Allele origin: de novo. Inheritance: Autosomal dominant inheritance. Affected: yes. Not counted in ClinVar's aggregate classification.
Comment: This mutation has been previously reported as disease-causing and was found four times in our laboratory as de novo findings in affected individuals.
ClinVar note: Reason: Outlier claim with insufficient supporting evidence

Literature cited by the submitters: PubMed 16325861 (cited by 6 submitters); PubMed 28742085 (cited by 4 submitters); PubMed 38681507 (cited by Dasa and Ambry Genetics); PubMed 34068417 (cited by Dasa and Ambry Genetics); PubMed 31475473 (cited by Dasa); PubMed 35982159 (cited by Dasa); PubMed 32637629 (cited by Dasa); PubMed 37555011 (cited by Dasa and Ambry Genetics); PubMed 16787562 (cited by Ambry Genetics); PubMed 18354422 (cited by Ambry Genetics); PubMed 24486772 (cited by Ambry Genetics and Athena Diagnostics); PubMed 25481746 (cited by Ambry Genetics); PubMed 30011838 (cited by Ambry Genetics); PubMed 39825153 (cited by Solve-RD Consortium); PubMed 20301674 (cited by Mendelics); PubMed 25326635 (cited by Baylor Genetics).